The following is an entry in ClinVar:

ClinVar aggregate classification (germline): Uncertain significance (1 of 4 stars; one submission).

Conditions:
Long QT syndrome (LQTS). Identifiers: MedGen C0023976, MeSH D008133, MONDO:0002442. Disease mechanism: loss of function. Inheritance: Various modes of inheritance.

gnomAD v4.1: 2 of 1,556,458 alleles (0.00013%); highest among the groups gnomAD compares: Non-Finnish European, 0.00017%; no homozygotes.

Submission:

Labcorp Genetics (formerly Invitae), Labcorp
Classification: Uncertain significance for Long QT syndrome. Last evaluated: 2020-10-21. Review status: criteria provided, single submitter. Criteria: Invitae Variant Classification Sherloc (09022015). Collection method: clinical testing. Allele origin: germline.
Comment: This variant has not been reported in the literature in individuals with CACNA1C-related conditions. In summary, the available evidence is currently insufficient to determine the role of this variant in disease. Therefore, it has been classified as a Variant of Uncertain Significance. Algorithms developed to predict the effect of sequence changes on RNA splicing suggest that this variant may disrupt the consensus splice site, but this prediction has not been confirmed by published transcriptional studies. Algorithms developed to predict the effect of missense changes on protein structure and function (SIFT, PolyPhen-2, Align-GVGD) all suggest that this variant is likely to be tolerated, but these predictions have not been confirmed by published functional studies and their clinical significance is uncertain. The frequency data for this variant in the population databases is considered unreliable, as metrics indicate insufficient coverage at this position in the ExAC database. This sequence change replaces glycine with alanine at codon 17 of the CACNA1C protein (p.Gly17Ala). The glycine residue is weakly conserved and there is a small physicochemical difference between glycine and alanine.

NM_000719.7(CACNA1C):c.50G>C (p.Gly17Ala)

Gene: CACNA1C (calcium voltage-gated channel subunit alpha1 C; plus strand). Cytogenetic location: 12p13.33.
Variant type: single nucleotide variant.
Coding change: c.50G>C on transcript NM_000719.7 (MANE Select); coding-DNA position 50, G replaced by C.
Protein change: p.Gly17Ala; replaces glycine 17 with alanine.
Molecular consequence: missense variant.
Genome position (GRCh38, 1-based): chr12:2,115,224, G>C. VCF-style: chr12-2115224-G-C. GRCh37 (hg19) VCF-style: chr12-2224390-G-C.
Other names: c.50G>C, p.Gly17Ala (NM_001129827.2, NM_001129829.2, NM_001129830.3 and 19 more transcripts); short protein forms G17A.
Identifiers: ClinVar variation 1021418 (VCV001021418.9), dbSNP rs747083495, ClinGen allele CA383652834.
Genomic context (GRCh38, chr12:2,115,224, plus strand): 5'-GTCGGAAGTGCCCCTGTTTTCTATCTAGTAACTGTTGTGTTCTTTTCTCTTTTGCCACAG[G>C]TTCCAACTATGGGAGCCCACGCCCCGCCCATGCCAACATGAATGCCAATGCGGCAGCGGG-3'
Protein context (NP_000710.5, residues 7-27): RMYIPEENHQ[Gly17Ala]SNYGSPRPAH